The following is an entry in ClinVar:

ClinVar aggregate classification (germline): Uncertain significance. Review status: criteria provided, multiple submitters, no conflicts (2 of 4 stars). 2 submissions from 2 submitters: Uncertain significance (2). Last evaluated 2025-10-01.

Conditions:
Developmental and epileptic encephalopathy, 11 (DEE11). Also called: Early infantile epileptic encephalopathy 11. Identifiers: Orphanet 1934, MedGen C3150987, MONDO:0013388, OMIM 613721.
Seizures, benign familial infantile, 3 (BFIS3). Also called: CONVULSIONS, BENIGN FAMILIAL INFANTILE, 3; Familial neonatal seizures. Identifiers: Orphanet 140927, Orphanet 306, MedGen C1843140, MONDO:0011904, OMIM 607745.

Submissions (2):

Labcorp Genetics (formerly Invitae), Labcorp
Classification: Uncertain significance for Seizures, benign familial infantile, 3; Developmental and epileptic encephalopathy, 11. Last evaluated: 2025-10-01. Review status: criteria provided, single submitter. Criteria: Invitae Variant Classification Sherloc (09022015). Collection method: clinical testing. Allele origin: germline.
Comment: This sequence change replaces proline, which is neutral and non-polar, with glutamine, which is neutral and polar, at codon 50 of the SCN2A protein (p.Pro50Gln). This variant is not present in population databases (gnomAD no frequency). This variant has not been reported in the literature in individuals affected with SCN2A-related conditions. ClinVar contains an entry for this variant (Variation ID: 1700313). Invitae Evidence Modeling of protein sequence and biophysical properties (such as structural, functional, and spatial information, amino acid conservation, physicochemical variation, residue mobility, and thermodynamic stability) indicates that this missense variant is expected to disrupt SCN2A protein function with a positive predictive value of 95%. In summary, the available evidence is currently insufficient to determine the role of this variant in disease. Therefore, it has been classified as a Variant of Uncertain Significance.

GeneDx
Classification: Uncertain significance. Last evaluated: 2022-02-08. Review status: criteria provided, single submitter. Criteria: GeneDx Variant Classification Process June 2021. Collection method: clinical testing. Allele origin: germline. Affected: yes.
Comment: Not observed at significant frequency in large population cohorts (gnomAD); Missense variants in this gene are often considered pathogenic (HGMD); In silico analysis supports that this missense variant has a deleterious effect on protein structure/function; Has not been previously published as pathogenic or benign to our knowledge; This substitution is predicted to be within the N-terminal cytoplasmic domain.

NM_001040142.2(SCN2A):c.149C>A (p.Pro50Gln)

Gene: SCN2A (sodium voltage-gated channel alpha subunit 2; plus strand). Cytogenetic location: 2q24.3.
Variant type: single nucleotide variant.
Coding change: c.149C>A on transcript NM_001040142.2 (MANE Select); coding-DNA position 149, C replaced by A.
Protein change: p.Pro50Gln; replaces proline 50 with glutamine.
Molecular consequence: missense variant.
Genome position (GRCh38, 1-based): chr2:165,295,972, C>A. VCF-style: chr2-165295972-C-A. GRCh37 (hg19) VCF-style: chr2-166152482-C-A.
Other names: c.149C>A, p.Pro50Gln (NM_001040143.2, NM_001371246.1, NM_001371247.1 and 1 more transcripts); short protein forms P50Q.
Identifiers: ClinVar variation 1700313 (VCV001700313.5), dbSNP rs2106149256, ClinGen allele CA349010186.